The following is an entry in ClinVar:

ClinVar aggregate classification (germline): Uncertain significance. Review status: criteria provided, multiple submitters, no conflicts (2 of 4 stars). 2 submissions from 2 submitters: Uncertain significance (2). Last evaluated 2025-06-13.

gnomAD v4.1: 122 of 1,568,668 alleles (0.0078%); highest among the groups gnomAD compares: Non-Finnish European, 0.0097%; no homozygotes.

Submissions (2):

GeneDx
Classification: Uncertain significance. Last evaluated: 2025-06-13. Review status: criteria provided, single submitter. Criteria: GeneDx Variant Classification Process June 2021. Collection method: clinical testing. Allele origin: germline. Affected: yes.
Comment: In silico analysis supports that this missense variant has a deleterious effect on protein structure/function; Has not been previously published as pathogenic or benign to our knowledge

Blueprint Genetics
Classification: Uncertain significance. Last evaluated: 2023-10-19. Review status: criteria provided, single submitter. Criteria: ACMG Guidelines, 2015. Collection method: clinical testing. Allele origin: germline.

NM_001039141.3(TRIOBP):c.6392G>A (p.Arg2131Gln)

Gene: TRIOBP (TRIO and F-actin binding protein; plus strand). Cytogenetic location: 22q13.1.
Variant type: single nucleotide variant.
Coding change: c.6392G>A on transcript NM_001039141.3 (MANE Select); coding-DNA position 6392, G replaced by A.
Protein change: p.Arg2131Gln; replaces arginine 2131 with glutamine.
Molecular consequence: missense variant.
Genome position (GRCh38, 1-based): chr22:37,765,737, G>A. VCF-style: chr22-37765737-G-A. GRCh37 (hg19) VCF-style: chr22-38161744-G-A.
Other names: c.1253G>A, p.Arg418Gln (NM_007032.5); short protein forms R2131Q, R418Q.
Identifiers: ClinVar variation 4537861 (VCV004537861.2).
Genomic context (GRCh38, chr22:37,765,737, plus strand): 5'-GTGAGCGCAGCCTGGCAGAGATGGAGTCCTCGCACCAGCAGGTGATGGAGGAGCTGCAGC[G>A]GCACCACGAGCGGGAGCTGCAGCGCCTGCAGCAGGAGAAGGAGTGGCTCCTGGCTGAGGA-3'
Protein context (NP_001034230.1, residues 2121-2141): SHQQVMEELQ[Arg2131Gln]HHERELQRLQ